The following is an entry in ClinVar:

NM_016955.4(SEPSECS):c.176C>T (p.Ala59Val)

Gene: SEPSECS (Sep (O-phosphoserine) tRNA:Sec (selenocysteine) tRNA synthase; minus strand). Cytogenetic location: 4p15.2.
Variant type: single nucleotide variant.
Coding change: c.176C>T on transcript NM_016955.4 (MANE Select); coding-DNA position 176, C replaced by T.
Protein change: p.Ala59Val; replaces alanine 59 with valine.
Molecular consequence: missense variant.
Genome position (GRCh38, 1-based): chr4:25,159,046, G>A on the plus strand (C>T on the coding strand, the complement: SEPSECS is on the minus strand). VCF-style: chr4-25159046-G-A. GRCh37 (hg19) VCF-style: chr4-25160668-G-A.
Other names: p.A59V; p.Ala59Val; c.431C>T, p.Ala144Val (NM_001410714.1); short protein forms A144V, A59V.
Identifiers: ClinVar variation 4884331 (VCV004884331.2).
Genomic context (GRCh38, chr4:25,159,046, plus strand): 5'-ACTCTCCCTTCCCTTTCTCCCACACCACAATTGCCTAAGAAATTGTTGCTGTCCATGATT[G>A]CAAGTTCATGTAAAAAGAGTTCAAGTGTACTTTCATCCCAGCCATTCTCTGGACACTTGC-3'
Protein context (NP_058651.3, residues 49-69): STLELFLHEL[Ala59Val]IMDSNNFLGN

ClinVar aggregate classification (germline): Uncertain significance. Review status: criteria provided, multiple submitters, no conflicts (2 of 4 stars). 2 submissions from 2 submitters: Uncertain significance (2). Last evaluated 2025-08-25.

Conditions:
Pontocerebellar hypoplasia type 2D (PCH2D). Also called: Progressive cerebello-cerebral atrophy. Identifiers: Orphanet 247198, Orphanet 2524, MedGen C3151140, MONDO:0013438, OMIM 613811.

gnomAD v4.1: 1 of 1,612,788 alleles (0.000062%); highest among the groups gnomAD compares: South Asian, 0.0011%; no homozygotes.

Submissions (2):

Myriad Genetics, Inc.
Classification: Uncertain significance for Pontocerebellar hypoplasia type 2D. Last evaluated: 2025-08-25. Review status: criteria provided, single submitter. Criteria: Myriad Autosomal Dominant, Autosomal Recessive and X-Linked Classification Criteria (2023). Collection method: clinical testing. Allele origin: unknown.
Comment: NM_016955.3(SEPSECS):c.176C>T(A59V) is a missense variant classified as a variant of uncertain significance in the context of pontocerebellar hypoplasia, SEPSECS-related. A59V has been observed in a case with relevant disease (PMID: 28133863). Relevant functional assessments of this variant are not available in the literature. A59V has not been observed in referenced population frequency databases. In summary, there is insufficient evidence to classify NM_016955.3(SEPSECS):c.176C>T(A59V) as pathogenic or benign. Please note: this variant was assessed in the context of healthy population screening.

Clinical Genetics Laboratory, Universite de Sherbrooke
Classification: Uncertain significance for Pontocerebellar hypoplasia type 2D. Last evaluated: 2017-02-01. Review status: criteria provided, single submitter. Criteria: ACMG Guidelines, 2015. Collection method: curation. Allele origin: germline. Affected: yes.
Comment: The variant was identified by clinical exome sequencing and is predicted to affect SepSecS folding, dimerization, and catalytic activity (PMID:28133863).

Literature cited by the submitters: PubMed 28133863 (cited by Myriad Genetics, Inc. and Clinical Genetics Laboratory, Universite de Sherbrooke).